The following is an entry in ClinVar:

NM_001197104.2(KMT2A):c.10181_10182delinsAT (p.Gly3394Asp)

Gene: KMT2A (lysine methyltransferase 2A; plus strand). Cytogenetic location: 11q23.3.
Variant type: Indel.
Coding change: c.10181_10182delinsAT on transcript NM_001197104.2 (MANE Select); coding-DNA positions 10181 to 10182, GG replaced by AT.
Protein change: p.Gly3394Asp; replaces glycine 3394 with aspartic acid.
Molecular consequence: missense variant.
Genome position (GRCh38, 1-based): chr11:118,506,073-118,506,074, GG replaced by AT. VCF-style: chr11-118506073-GG-AT. GRCh37 (hg19) VCF-style: chr11-118376788-GG-AT.
Other names: c.10271_10272delGGinsAT, p.Gly3424Asp (NM_001412597.1); c.10172_10173delinsAT, p.Gly3391Asp (NM_005933.4); short protein forms G3391D, G3394D, G3424D.
Identifiers: ClinVar variation 2047223 (VCV002047223.4), dbSNP rs2497027746, ClinGen allele CA2580083665.

ClinVar aggregate classification (germline): Uncertain significance (1 of 4 stars; one submission).

Submission:

Labcorp Genetics (formerly Invitae), Labcorp
Classification: Uncertain significance. Last evaluated: 2023-11-07. Review status: criteria provided, single submitter. Criteria: Invitae Variant Classification Sherloc (09022015). Collection method: clinical testing. Allele origin: germline.
Comment: This sequence change replaces glycine, which is neutral and non-polar, with aspartic acid, which is acidic and polar, at codon 3394 of the KMT2A protein (p.Gly3394Asp). The frequency data for this variant in the population databases is considered unreliable, as metrics indicate poor data quality at this position in the gnomAD database. This variant has not been reported in the literature in individuals affected with KMT2A-related conditions. ClinVar contains an entry for this variant (Variation ID: 2047223). An algorithm developed to predict the effect of missense changes on protein structure and function (PolyPhen-2) suggests that this variant is likely to be disruptive. In summary, the available evidence is currently insufficient to determine the role of this variant in disease. Therefore, it has been classified as a Variant of Uncertain Significance.